The following is an entry in ClinVar:

NM_003072.5(SMARCA4):c.3436G>T (p.Gly1146Cys)

Gene: SMARCA4 (SWI/SNF related BAF chromatin remodeling complex subunit ATPase 4; plus strand). Cytogenetic location: 19p13.2.
Variant type: single nucleotide variant.
Coding change: c.3436G>T on transcript NM_003072.5 (MANE Select); coding-DNA position 3436, G replaced by T.
Protein change: p.Gly1146Cys; replaces glycine 1146 with cysteine.
Molecular consequence: missense variant. On other transcripts: non-coding transcript variant (1).
Genome position (GRCh38, 1-based): chr19:11,030,783, G>T. VCF-style: chr19-11030783-G-T. GRCh37 (hg19) VCF-style: chr19-11141459-G-T.
Other names: c.3436G>T (NM_001128849.2); c.3436G>T, p.Gly1146Cys (NM_001128844.3, NM_001128845.2, NM_001128846.2 and 5 more transcripts); short protein forms G1146C.
Identifiers: ClinVar variation 470352 (VCV000470352.13), dbSNP rs200007170, ClinGen allele CA305281304.

ClinVar aggregate classification (germline): Conflicting classifications of pathogenicity. Review status: criteria provided, conflicting classifications (1 of 4 stars). 5 submissions from 5 submitters: Uncertain significance (4); Likely benign (1). Last evaluated 2024-12-02.

Conditions:
Hereditary cancer-predisposing syndrome. Also called: Hereditary neoplastic syndrome; Neoplastic Syndromes, Hereditary; Tumor predisposition; Hereditary Cancer Syndrome. Identifiers: Orphanet 140162, MedGen C0027672, MeSH D009386, MONDO:0015356.
Rhabdoid tumor predisposition syndrome 2 (RTPS2). Identifiers: Orphanet 231108, Orphanet 69077, MedGen C2750074, MONDO:0013224, OMIM 613325.
Otosclerosis 12. Identifiers: MedGen C5935610, MONDO:0968980, OMIM 620792.
Intellectual disability, autosomal dominant 16 (CSS4). Also called: COFFIN-SIRIS SYNDROME 4. Identifiers: Orphanet 1465, MedGen C3553249, MONDO:0013821, OMIM 614609.

Allele frequency attached by ClinVar (database versions not stated): 1000 Genomes Project 30x 0.00031.

Submissions (5):

Labcorp Genetics (formerly Invitae), Labcorp
Classification: Uncertain significance for Rhabdoid tumor predisposition syndrome 2. Last evaluated: 2024-12-02. Review status: criteria provided, single submitter. Criteria: Invitae Variant Classification Sherloc (09022015). Collection method: clinical testing. Allele origin: germline.
Comment: This sequence change replaces glycine, which is neutral and non-polar, with cysteine, which is neutral and slightly polar, at codon 1146 of the SMARCA4 protein (p.Gly1146Cys). This variant is not present in population databases (gnomAD no frequency). This variant has not been reported in the literature in individuals affected with SMARCA4-related conditions. ClinVar contains an entry for this variant (Variation ID: 470352). Invitae Evidence Modeling of protein sequence and biophysical properties (such as structural, functional, and spatial information, amino acid conservation, physicochemical variation, residue mobility, and thermodynamic stability) has been performed for this missense variant. However, the output from this modeling did not meet the statistical confidence thresholds required to predict the impact of this variant on SMARCA4 protein function. In summary, the available evidence is currently insufficient to determine the role of this variant in disease. Therefore, it has been classified as a Variant of Uncertain Significance.

Fulgent Genetics
Classification: Uncertain significance for Rhabdoid tumor predisposition syndrome 2; Intellectual disability, autosomal dominant 16; Otosclerosis 12. Last evaluated: 2024-01-04. Review status: criteria provided, single submitter. Criteria: ACMG Guidelines, 2015. Collection method: clinical testing. Allele origin: germline.

Baylor Genetics
Classification: Uncertain significance for Rhabdoid tumor predisposition syndrome 2. Last evaluated: 2023-11-27. Review status: criteria provided, single submitter. Criteria: ACMG Guidelines, 2015. Collection method: clinical testing. Allele origin: unknown.

GeneDx
Classification: Uncertain significance. Last evaluated: 2022-12-28. Review status: criteria provided, single submitter. Criteria: GeneDx Variant Classification Process June 2021. Collection method: clinical testing. Allele origin: germline. Affected: yes.
Comment: In silico analysis supports that this missense variant has a deleterious effect on protein structure/function; Has not been previously published as pathogenic or benign to our knowledge; This variant is associated with the following publications: (PMID: 24658002)

Ambry Genetics
Classification: Likely benign for Hereditary cancer-predisposing syndrome. Last evaluated: 2022-09-20. Review status: criteria provided, single submitter. Criteria: Ambry Variant Classification Scheme 2023. Collection method: clinical testing. Allele origin: germline.